The following is an entry in ClinVar:

ClinVar aggregate classification (germline): Uncertain significance. Review status: criteria provided, multiple submitters, no conflicts (2 of 4 stars). 5 submissions from 5 submitters: Uncertain significance (5). Last evaluated 2026-03-11.

Conditions:
Inborn genetic diseases. Identifiers: MedGen C0950123, MeSH D030342.
Epidermolysis bullosa simplex, Ogna type (EBS5A). Also called: Pidermolysis bullosa simplex 5A, Ogna type; EPIDERMOLYSIS BULLOSA SIMPLEX 5A, OGNA TYPE. Identifiers: Orphanet 79401, MedGen C0432317, MONDO:0007555, OMIM 131950.
Epidermolysis bullosa simplex with nail dystrophy (EBS5D). Identifiers: MedGen C4225309, MONDO:0014661, OMIM 616487.
Epidermolysis bullosa simplex 5C, with pyloric atresia (EBS5C). Also called: PLEC1-Related Epidermolysis Bullosa with Pyloric Atresia; PLEC-Related Epidermolysis Bullosa with Pyloric Atresia; Epidermolysis bullosa simplex with pyloric atresia. Identifiers: Orphanet 158684, MedGen C2677349, MONDO:0012807, OMIM 612138.
Autosomal recessive limb-girdle muscular dystrophy type 2Q (LGMDR17). Also called: MUSCULAR DYSTROPHY, LIMB-GIRDLE, AUTOSOMAL RECESSIVE 17. Identifiers: Orphanet 254361, MedGen C3150989, MONDO:0013390, OMIM 613723.
Epidermolysis bullosa simplex 5B, with muscular dystrophy (EBS5B). Also called: Epidermolysis bullosa simplex with muscular dystrophy; EPIDERMOLYSIS BULLOSA SIMPLEX AND LIMB-GIRDLE MUSCULAR DYSTROPHY. Identifiers: Orphanet 257, MedGen C2931072, MONDO:0009181, OMIM 226670.

Allele frequency attached by ClinVar (database versions not stated): gnomAD exomes 0.00001; TOPMed 0.00002; gnomAD 0.00006.
gnomAD v4.1: 13 of 1,593,134 alleles (0.00082%); highest among the groups gnomAD compares: Admixed American, 0.0034%; no homozygotes.

Submissions (5):

Ambry Genetics
Classification: Uncertain significance for Inborn genetic diseases. Last evaluated: 2026-03-11. Review status: criteria provided, single submitter. Criteria: Ambry Variant Classification Scheme 2023. Collection method: clinical testing. Allele origin: germline.

Women's Health and Genetics/Laboratory Corporation of America, LabCorp
Classification: Uncertain significance. Last evaluated: 2025-07-09. Review status: criteria provided, single submitter. Criteria: LabCorp Variant Classification Summary - May 2015. Collection method: clinical testing. Allele origin: germline.
Comment: Variant summary: PLEC c.3688G>A (p.Glu1230Lys) results in a conservative amino acid change in the encoded protein sequence. Algorithms developed to predict the effect of missense changes on protein structure and function are either unavailable or do not agree on the potential impact of this missense change. The variant allele was found at a frequency of 9.5e-06 in 210050 control chromosomes. The available data on variant occurrences in the general population are insufficient to allow any conclusion about variant significance. To our knowledge, no occurrence of c.3688G>A in individuals affected with Epidermolysis bullosa simplex 5C, with pyloric atresia and no experimental evidence demonstrating its impact on protein function have been reported. ClinVar contains an entry for this variant (Variation ID: 595645). Based on the evidence outlined above, the variant was classified as uncertain significance.

Labcorp Genetics (formerly Invitae), Labcorp
Classification: Uncertain significance for Autosomal recessive limb-girdle muscular dystrophy type 2Q; Epidermolysis bullosa simplex, Ogna type; Epidermolysis bullosa simplex with nail dystrophy; Epidermolysis bullosa simplex 5C, with pyloric atresia; Epidermolysis bullosa simplex 5B, with muscular dystrophy. Last evaluated: 2024-11-21. Review status: criteria provided, single submitter. Criteria: Invitae Variant Classification Sherloc (09022015). Collection method: clinical testing. Allele origin: germline.
Comment: This sequence change replaces glutamic acid, which is acidic and polar, with lysine, which is basic and polar, at codon 1230 of the PLEC protein (p.Glu1230Lys). This variant is present in population databases (no rsID available, gnomAD 0.006%). This variant has not been reported in the literature in individuals affected with PLEC-related conditions. ClinVar contains an entry for this variant (Variation ID: 595645). Invitae Evidence Modeling of protein sequence and biophysical properties (such as structural, functional, and spatial information, amino acid conservation, physicochemical variation, residue mobility, and thermodynamic stability) indicates that this missense variant is expected to disrupt PLEC protein function with a positive predictive value of 80%. In summary, the available evidence is currently insufficient to determine the role of this variant in disease. Therefore, it has been classified as a Variant of Uncertain Significance.

Revvity Omics, Revvity
Classification: Uncertain significance. Last evaluated: 2023-10-23. Review status: criteria provided, single submitter. Criteria: ACMG Guidelines, 2015. Collection method: clinical testing. Allele origin: germline.

Eurofins Ntd Llc (ga)
Classification: Uncertain significance. Last evaluated: 2018-01-04. Review status: criteria provided, single submitter. Criteria: EGL Classification Definitions 2015. Collection method: clinical testing. Allele origin: germline. Observed: 1 variant allele, 1 heterozygote.

NM_201384.3(PLEC):c.3607G>A (p.Glu1203Lys)

Gene: PLEC (plectin; minus strand). Cytogenetic location: 8q24.3.
Variant type: single nucleotide variant.
Coding change: c.3607G>A on transcript NM_201384.3 (MANE Select); coding-DNA position 3607, G replaced by A.
Protein change: p.Glu1203Lys; replaces glutamic acid 1203 with lysine.
Molecular consequence: missense variant.
Genome position (GRCh38, 1-based): chr8:143,927,559, C>T on the plus strand (G>A on the coding strand, the complement: PLEC is on the minus strand). VCF-style: chr8-143927559-C-T. GRCh37 (hg19) VCF-style: chr8-145001727-C-T.
Other names: c.3688G>A, p.Glu1230Lys (NM_000445.5); c.3565G>A, p.Glu1189Lys (NM_201378.4); c.3541G>A, p.Glu1181Lys (NM_201379.3); c.4018G>A, p.Glu1340Lys (NM_201380.4); c.3511G>A, p.Glu1171Lys (NM_201381.3); c.3607G>A, p.Glu1203Lys (NM_201382.4); c.3619G>A, p.Glu1207Lys (NM_201383.3); c.3688G>A (NM_000445.3); short protein forms E1203K, E1181K, E1189K, E1230K, E1340K, E1207K, E1171K.
Identifiers: ClinVar variation 595645 (VCV000595645.11), dbSNP rs1416611970, ClinGen allele CA372565442.